The following is an entry in ClinVar:

ClinVar aggregate classification (germline): Likely pathogenic (0 of 4 stars; one submission).

Conditions:
Polycystic kidney disease. Also called: Polycystic kidney dysplasia; Kidney, Polycystic. Identifiers: MedGen C0022680, MeSH D007690, MONDO:0020642, HP:0000113.

Submission:

Department of Pathology and Laboratory Medicine, Sinai Health System
Classification: Likely pathogenic for Polycystic Kidney disease. Review status: no assertion criteria provided. Collection method: clinical testing. Allele origin: unknown. Affected: yes. Study: The Canadian Open Genetics Repository (COGR).
Comment: The PKD1 p.Ser2675AlafsX10 variant was not identified in the literature nor was it identified in the dbSNP, ClinVar, GeneInsight-COGR, LOVD 3.0, ADPKD Mutation Database, PKD1-LOVD, databases. The variant was not identified in the following control databases: the 1000 Genomes Project, the NHLBI GO Exome Sequencing Project, the Exome Aggregation Consortium (August 8th 2016), or the Genome Aggregation Database (Feb 27, 2017). The p.Ser2675AlafsX10 variant is predicted to cause a frameshift, which alters the protein amino acid sequence beginning at codon 2675 and leads to a premature stop codon 10 codons downstream.This alteration is then predicted to result in a truncated or absent protein and loss of function. Loss of function variants of the PKD1 gene are an established mechanism of disease in ADPKD and is the type of variant expected to cause the disorder. In summary, based on the above information, the clinical significance of this variant cannot be determined with certainty at this time although we would lean towards a more pathogenic role for this variant. This variant is classified as likely pathogenic.

NM_001009944.3(PKD1):c.8022del (p.Ser2675fs)

Gene: PKD1 (polycystin 1, transient receptor potential channel interacting; minus strand). Cytogenetic location: 16p13.3.
Variant type: Deletion.
Coding change: c.8022del on transcript NM_001009944.3 (MANE Select); coding-DNA position 8022, one base deleted (C; older notation c.8022delC).
Protein change: p.Ser2675fs; shifts the reading frame from serine 2675.
Molecular consequence: frameshift variant.
Genome position (GRCh38, 1-based): chr16:2,104,637, G deleted on the plus strand (C on the coding strand, the reverse complement: PKD1 is on the minus strand); the first of 3 consecutive G bases (chr16:2,104,637-2,104,639); deleting any one gives the same sequence. VCF-style (leftmost placement, unchanged base first): chr16-2104636-TG-T. GRCh37 (hg19) VCF-style: chr16-2154637-TG-T.
Other names: c.8022del, p.Ser2675fs (NM_000296.4); short protein forms S2675fs.
Identifiers: ClinVar variation 997389 (VCV000997389.1), dbSNP rs2092263697, ClinGen allele CA2202027333.